The following is an entry in ClinVar:

ClinVar aggregate classification (germline): Likely pathogenic (1 of 4 stars; one submission).

Conditions:
Dilated cardiomyopathy 1G (CMD1G). Identifiers: Orphanet 154, MedGen C1858763, MONDO:0011400, OMIM 604145.
Autosomal recessive limb-girdle muscular dystrophy type 2J (LGMDR10). Also called: Limb-girdle muscular dystrophy, type 2J; MUSCULAR DYSTROPHY, LIMB-GIRDLE, AUTOSOMAL RECESSIVE 10. Identifiers: Orphanet 140922, MedGen C1837342, MONDO:0012127, OMIM 608807.

Submission:

Labcorp Genetics (formerly Invitae), Labcorp
Classification: Likely pathogenic for Dilated cardiomyopathy 1G; Autosomal recessive limb-girdle muscular dystrophy type 2J. Last evaluated: 2024-02-03. Review status: criteria provided, single submitter. Criteria: Invitae Variant Classification Sherloc (09022015). Collection method: clinical testing. Allele origin: germline.
Comment: This sequence change creates a premature translational stop signal (p.Glu12142Aspfs*16) in the TTN gene. While this is not anticipated to result in nonsense mediated decay, it is expected to create a truncated TTN protein. This variant is not present in population databases (gnomAD no frequency). This variant has not been reported in the literature in individuals affected with TTN-related conditions. This variant is located in the I band of TTN (PMID: 25589632). Truncating variants in this region have been reported in individuals affected with autosomal recessive centronuclear myopathy (PMID: 23975875, Invitae internal data). Truncating variants in this region have also been identified in individuals affected with autosomal dominant dilated cardiomyopathy and/or cardio-related conditions (PMID: 27869827, 32964742, Invitae internal data). In summary, the currently available evidence indicates that the variant is pathogenic, but additional data are needed to prove that conclusively. Therefore, this variant has been classified as Likely Pathogenic.

Literature cited by the submitters: PubMed 25589632; PubMed 23975875; PubMed 27869827; PubMed 32964742.

NM_001267550.2(TTN):c.36426del (p.Glu12142fs)

Gene: TTN (titin; minus strand). Cytogenetic location: 2q31.2.
Variant type: Deletion.
Coding change: c.36426del on transcript NM_001267550.2 (MANE Select); coding-DNA position 36426, one base deleted (G; older notation c.36426delG).
Protein change: p.Glu12142fs; shifts the reading frame from glutamic acid 12142.
Molecular consequence: frameshift variant. On other transcripts: intron variant (5).
Genome position (GRCh38, 1-based): chr2:178,663,841, C deleted on the plus strand (G on the coding strand, the reverse complement: TTN is on the minus strand). VCF-style (leftmost placement, unchanged base first): chr2-178663840-GC-G. GRCh37 (hg19) VCF-style: chr2-179528567-GC-G.
Other names: c.13283-21524del (NM_003319.4); c.13859-21524del (NM_133437.4); c.13658-21524del (NM_133432.3); c.31484-786del (NM_133378.4); c.34265-786del (NM_001256850.1); short protein forms E12142fs.
Identifiers: ClinVar variation 3758982 (VCV003758982.2).